The following is an entry in ClinVar:

ClinVar aggregate classification (germline): Uncertain significance. Review status: criteria provided, multiple submitters, no conflicts (2 of 4 stars). 2 submissions from 2 submitters: Uncertain significance (2). Last evaluated 2025-07-15.

Conditions:
Inborn genetic diseases. Identifiers: MedGen C0950123, MeSH D030342.
Muscular dystrophy-dystroglycanopathy (congenital with brain and eye anomalies), type A9. Also called: WALKER-WARBURG SYNDROME OR MUSCLE-EYE BRAIN DISEASE, DAG1-RELATED; Muscular dystrophy-dystroglycanopathy (congenital with brain and eye anomalies), type a, 9. Identifiers: Orphanet 370997, Orphanet 899, MedGen C4225291, MONDO:0014683, OMIM 616538.
Autosomal recessive limb-girdle muscular dystrophy type 2P. Also called: MUSCULAR DYSTROPHY-DYSTROGLYCANOPATHY, LIMB-GIRDLE, DAG1-RELATED; MUSCULAR DYSTROPHY, LIMB-GIRDLE, TYPE 2P; Limb-Girdle Muscular Dystrophy Type 9C. Identifiers: Orphanet 280333, MedGen C4511963, MONDO:0013440, OMIM 613818.

Allele frequency attached by ClinVar (database versions not stated): gnomAD 0.00001; TOPMed 0.00001.
gnomAD v4.1: 4 of 1,614,008 alleles (0.00025%); highest among the groups gnomAD compares: Non-Finnish European, 0.00034%; no homozygotes.

Submissions (2):

Ambry Genetics
Classification: Uncertain significance for Inborn genetic diseases. Last evaluated: 2025-07-15. Review status: criteria provided, single submitter. Criteria: Ambry Variant Classification Scheme 2023. Collection method: clinical testing. Allele origin: germline.

Labcorp Genetics (formerly Invitae), Labcorp
Classification: Uncertain significance for Autosomal recessive limb-girdle muscular dystrophy type 2P; Muscular dystrophy-dystroglycanopathy (congenital with brain and eye anomalies), type A9. Last evaluated: 2023-08-09. Review status: criteria provided, single submitter. Criteria: Invitae Variant Classification Sherloc (09022015). Collection method: clinical testing. Allele origin: germline.
Comment: This variant is not present in population databases (gnomAD no frequency). In summary, the available evidence is currently insufficient to determine the role of this variant in disease. Therefore, it has been classified as a Variant of Uncertain Significance. Advanced modeling of protein sequence and biophysical properties (such as structural, functional, and spatial information, amino acid conservation, physicochemical variation, residue mobility, and thermodynamic stability) performed at Invitae indicates that this missense variant is not expected to disrupt DAG1 protein function. ClinVar contains an entry for this variant (Variation ID: 1043038). This variant has not been reported in the literature in individuals affected with DAG1-related conditions. This sequence change replaces isoleucine, which is neutral and non-polar, with valine, which is neutral and non-polar, at codon 798 of the DAG1 protein (p.Ile798Val).

NM_004393.6(DAG1):c.2392A>G (p.Ile798Val)

Gene: DAG1 (dystroglycan 1; plus strand). Cytogenetic location: 3p21.31.
Variant type: single nucleotide variant.
Coding change: c.2392A>G on transcript NM_004393.6 (MANE Select); coding-DNA position 2392, A replaced by G.
Protein change: p.Ile798Val; replaces isoleucine 798 with valine.
Molecular consequence: missense variant.
Genome position (GRCh38, 1-based): chr3:49,532,903, A>G. VCF-style: chr3-49532903-A-G. GRCh37 (hg19) VCF-style: chr3-49570336-A-G.
Other names: c.2392A>G, p.Ile798Val (NM_001165928.4, NM_001177634.3, NM_001177635.3 and 9 more transcripts); c.2392A>G (NM_004393.4); short protein forms I798V.
Identifiers: ClinVar variation 1043038 (VCV001043038.6), dbSNP rs1290898131, ClinGen allele CA352797803.